The following is an entry in ClinVar:

ClinVar aggregate classification (germline): Conflicting classifications of pathogenicity. Review status: criteria provided, conflicting classifications (1 of 4 stars). 7 submissions from 7 submitters: Pathogenic (2); Likely pathogenic (2); Uncertain significance (2). 1 of the submissions does not count toward it. Last evaluated 2024-08-06.

Conditions:
Male infertility with spermatogenesis disorder. Identifiers: Orphanet 399775, MedGen C5681167, MONDO:0018391.
CHARGE syndrome (CHARGE). Also called: Hittner Hirsch Kreh syndrome; CHARGE ASSOCIATION--COLOBOMA, HEART ANOMALY, CHOANAL ATRESIA, RETARDATION, GENITAL AND EAR ANOMALIES; Coloboma, heart anomaly, choanal atresia, retardation, genital and ear anomalies; CHARGE association; Hall-Hittner syndrome. Identifiers: Orphanet 138, MedGen C0265354, MONDO:0008965.
CHD7-related CHARGE syndrome. Identifiers: MedGen CN380413, MONDO:1010178, OMIM 214800.
Hypogonadotropic hypogonadism 5 with or without anosmia (KAL5). Also called: HYPOGONADOTROPIC HYPOGONADISM 5 WITH ANOSMIA; HYPOGONADOTROPHIC HYPOGONADISM 5 WITHOUT ANOSMIA; CHD7-Related GnRH Deficiency (Kallmann Syndrome 5). Identifiers: Orphanet 478, MedGen C3552553, MONDO:0012880, OMIM 612370. Disease mechanism: loss of function.
CHD7-related disorder. Also called: CHD7-related condition.

Allele frequency attached by ClinVar (database versions not stated): gnomAD exomes below 0.00001; TOPMed below 0.00001; gnomAD 0.00001.
gnomAD v4.1: 2 of 1,613,858 alleles (0.00012%); highest among the groups gnomAD compares: African/African-American, 0.0013%; no homozygotes.

Submissions (7):

GeneDx
Classification: Uncertain significance. Last evaluated: 2024-08-06. Review status: criteria provided, single submitter. Criteria: GeneDx Variant Classification Process June 2021. Collection method: clinical testing. Allele origin: germline. Affected: yes.
Comment: Reported in a patient with CHARGE syndrome in published literature, however, clinical details not provided (PMID: 38751117); Reported in an individual with microprenis and vanishing testes and no other features of CHARGE syndrome (PMID: 25383892); Not observed at significant frequency in large population cohorts (gnomAD); In silico analysis supports that this missense variant has a deleterious effect on protein structure/function; This variant is associated with the following publications: (PMID: 21158681, 37305875, 25383892, 38751117, 30733481)

Labcorp Genetics (formerly Invitae), Labcorp
Classification: Pathogenic for CHARGE syndrome. Last evaluated: 2024-02-09. Review status: criteria provided, single submitter. Criteria: Invitae Variant Classification Sherloc (09022015). Collection method: clinical testing. Allele origin: germline.
Comment: This sequence change replaces arginine, which is basic and polar, with histidine, which is basic and polar, at codon 2065 of the CHD7 protein (p.Arg2065His). This variant is not present in population databases (gnomAD no frequency). This missense change has been observed in individuals with clinical features of CHD7-related conditions (PMID: 30733481; Invitae). ClinVar contains an entry for this variant (Variation ID: 1047927). Advanced modeling of protein sequence and biophysical properties (such as structural, functional, and spatial information, amino acid conservation, physicochemical variation, residue mobility, and thermodynamic stability) performed at Invitae indicates that this missense variant is expected to disrupt CHD7 protein function with a positive predictive value of 95%. This variant disrupts the p.Arg2065 amino acid residue in CHD7. Other variant(s) that disrupt this residue have been determined to be pathogenic (PMID: 23533228, 25064402, 25383892, 30733481). This suggests that this residue is clinically significant, and that variants that disrupt this residue are likely to be disease-causing. For these reasons, this variant has been classified as Pathogenic.

Laan Lab, Human Genetics Research Group, University of Tartu
Classification: Likely pathogenic for Male infertility with spermatogenesis disorder. Last evaluated: 2023-09-01. Review status: criteria provided, single submitter. Criteria: ACMG Guidelines, 2015. Collection method: research. Allele origin: germline. Inheritance: Oligogenic inheritance. Affected: yes. Observed: 1 heterozygote.

PreventionGenetics, part of Exact Sciences
Classification: Uncertain significance for CHD7-related condition. Last evaluated: 2023-04-28. Review status: criteria provided, single submitter. Criteria: ACMG Guidelines, 2015. Collection method: clinical testing. Allele origin: germline.
Comment: The CHD7 c.6194G>A variant is predicted to result in the amino acid substitution p.Arg2065His. This variant has also been reported in an individual with congenital hypogonadotropic hypogonadism and in a cohort of patients who underwent CHD7 mutation analysis (Gonçalves CI et al 2019. PubMed ID: 30733481; Bartels et al. 2010. PubMed ID: 21158681). This variant has not been reported in a large population database, indicating this variant is rare. Alternative variants at the same amino acid (p.Arg2065Ser, p.Arg2065Gly, p.Arg2065Cys) have been reported in patients with CHARGE syndrome or Kallmann syndrome (Song et al. 2011. PubMed ID: 21931733; Costa-Barbosa FA et al 2013. PubMed ID: 23533228; Izumi Y et al 2014. PubMed ID: 25064402). However, for at least one variant p.Arg2065Gly, functional analysis showed it tested benign in zebrafish morphant rescue assay (Balasubramanian et al. 2014. PubMed ID: 25472840). Although we suspect that this variant may be pathogenic, at this time, the clinical significance of this variant is uncertain due to the absence of conclusive functional and genetic evidence.

Juno Genomics, Hangzhou Juno Genomics, Inc
Classification: Likely pathogenic for CHD7-related CHARGE syndrome; Hypogonadotropic hypogonadism 5 with or without anosmia. Review status: criteria provided, single submitter. Criteria: ACMG Guidelines, 2015. Collection method: clinical testing. Allele origin: germline. Affected: yes.
Comment: Absent from controls (or at extremely low frequency if recessive) in Genome Aggregation Database.;De novo (both maternity and paternity confirmed) in a patient with the disease and no family history.;Multiple lines of computational evidence support a deleterious effect on the gene or gene product.;Missense variant in a gene that has a low rate of benign missense variation.;Novel missense change at an amino acid residue where a different missense change determined to be pathogenic has been seen before.;The prevalence of the variant in affected individuals is significantly increased compared to the prevalence in controls.

Seattle Children's Hospital Molecular Genetics Laboratory, Seattle Children's Hospital
Classification: Pathogenic for Hypogonadotropic hypogonadism 5 with or without anosmia. Review status: criteria provided, single submitter. Criteria: ACMG Guidelines, 2015. Collection method: clinical testing. Allele origin: germline. Affected: yes.
Comment: The p.Arg2065His variant substitutes the arginine with a histidine at amino acid position 2065. This variant has been reported twice in large population studies (2 of 780,750 alleles, gnomAD v4.0.0). This variant has been reported in the literature several times (PMID: 21158681, PMID: 25383892, PMID: 30733481). The clinical features described in one individual included anosmia, cryptorchidism, delayed puberty, and recurrent pyelonephritis resulting in chronic renal failure and transplant later in life (PMID: 30733481). In silico tools predict the p.Arg2065His variant to be damaging. In addition, other missense variants at this position (p.Arg2065Cys, p.Arg2065Gly, p.Arg2065His) have been reported in affected individuals (PMID: 25064402, PMID: 28475860, PMID: 23533228, PMID: 21931733).

Laboratory of Medical Genetics, University of Torino
Classification: Pathogenic for CHD7-related CHARGE syndrome. Last evaluated: 2021-03-13. Review status: no assertion criteria provided. Collection method: research. Allele origin: de novo. Affected: yes. Not counted in ClinVar's aggregate classification.

Literature cited by the submitters: PubMed 30733481 (cited by Labcorp Genetics (formerly Invitae), Labcorp); PubMed 23533228 (cited by Labcorp Genetics (formerly Invitae), Labcorp); PubMed 25064402 (cited by Labcorp Genetics (formerly Invitae), Labcorp); PubMed 25383892 (cited by Labcorp Genetics (formerly Invitae), Labcorp); DOI 10.1016/j.ajhg.2024.03.013 (cited by Laan Lab, Human Genetics Research Group, University of Tartu).

NM_017780.4(CHD7):c.6194G>A (p.Arg2065His)

Gene: CHD7 (chromodomain helicase DNA binding protein 7; plus strand). Cytogenetic location: 8q12.2.
Variant type: single nucleotide variant.
Coding change: c.6194G>A on transcript NM_017780.4 (MANE Select); coding-DNA position 6194, G replaced by A.
Protein change: p.Arg2065His; replaces arginine 2065 with histidine.
Molecular consequence: missense variant. On other transcripts: intron variant (1).
Genome position (GRCh38, 1-based): chr8:60,852,919, G>A. VCF-style: chr8-60852919-G-A. GRCh37 (hg19) VCF-style: chr8-61765478-G-A.
Other names: c.6194G>A (NM_017780.2, NM_017780.3); c.1717-9310G>A (NM_001316690.1); short protein forms R2065H.
Identifiers: ClinVar variation 1047927 (VCV001047927.15), dbSNP rs1197494895, ClinGen allele CA371324413.